The following is an entry in ClinVar:

ClinVar aggregate classification (germline): Uncertain significance (1 of 4 stars; one submission).

Conditions:
Aicardi-Goutieres syndrome 7 (AGS7). Identifiers: Orphanet 51, MedGen C3888244, MONDO:0014367, OMIM 615846.
Singleton-Merten syndrome 1 (SGMRT1). Also called: Widened medullary cavities of bone, aortic calcification, abnormal dentition, and muscular weakness; Syndrome of widened medullary cavities of the metacarpals and phalanges, aortic calcification and abnormal dentition. Identifiers: Orphanet 85191, MedGen C4225427, MONDO:0024535, OMIM 182250.

Allele frequency attached by ClinVar (database versions not stated): gnomAD exomes below 0.00001; TOPMed below 0.00001.
gnomAD v4.1: 4 of 1,484,396 alleles (0.00027%); highest among the groups gnomAD compares: Non-Finnish European, 0.00037%; no homozygotes.

Submission:

Labcorp Genetics (formerly Invitae), Labcorp
Classification: Uncertain significance for Aicardi-Goutieres syndrome 7; Singleton-Merten syndrome 1. Last evaluated: 2023-11-27. Review status: criteria provided, single submitter. Criteria: Invitae Variant Classification Sherloc (09022015). Collection method: clinical testing. Allele origin: germline.
Comment: This sequence change replaces methionine, which is neutral and non-polar, with isoleucine, which is neutral and non-polar, at codon 558 of the IFIH1 protein (p.Met558Ile). This variant is not present in population databases (gnomAD no frequency). This variant has not been reported in the literature in individuals affected with IFIH1-related conditions. This missense change has been observed in at least one individual who was not affected with IFIH1-related conditions (Invitae). Advanced modeling of protein sequence and biophysical properties (such as structural, functional, and spatial information, amino acid conservation, physicochemical variation, residue mobility, and thermodynamic stability) has been performed at Invitae for this missense variant, however the output from this modeling did not meet the statistical confidence thresholds required to predict the impact of this variant on IFIH1 protein function. In summary, the available evidence is currently insufficient to determine the role of this variant in disease. Therefore, it has been classified as a Variant of Uncertain Significance.

NM_022168.4(IFIH1):c.1674G>A (p.Met558Ile)

Gene: IFIH1 (interferon induced with helicase C domain 1; minus strand). Cytogenetic location: 2q24.2.
Variant type: single nucleotide variant.
Coding change: c.1674G>A on transcript NM_022168.4 (MANE Select); coding-DNA position 1674, G replaced by A.
Protein change: p.Met558Ile; replaces methionine 558 with isoleucine.
Molecular consequence: missense variant.
Genome position (GRCh38, 1-based): chr2:162,278,296, C>T on the plus strand (G>A on the coding strand, the complement: IFIH1 is on the minus strand). VCF-style: chr2-162278296-C-T. GRCh37 (hg19) VCF-style: chr2-163134806-C-T.
Other names: short protein forms M558I.
Identifiers: ClinVar variation 2944793 (VCV002944793.3), dbSNP rs1682743273, ClinGen allele CA349000250.